The following is an entry in ClinVar:

NM_001369.3(DNAH5):c.9970dup (p.Asp3324fs)

Gene: DNAH5 (dynein axonemal heavy chain 5; minus strand). Cytogenetic location: 5p15.2.
Variant type: Duplication.
Coding change: c.9970dup on transcript NM_001369.3 (MANE Select); coding-DNA position 9970, one base duplicated (G; older notation c.9970dupG).
Protein change: p.Asp3324fs; shifts the reading frame from aspartic acid 3324.
Molecular consequence: frameshift variant.
Genome position (GRCh38, 1-based): chr5:13,766,107, C duplicated on the plus strand (G on the coding strand, the reverse complement: DNAH5 is on the minus strand); the first of 2 consecutive C bases (chr5:13,766,107-13,766,108); duplicating either gives the same sequence. VCF-style (leftmost placement, unchanged base first): chr5-13766106-T-TC. GRCh37 (hg19) VCF-style: chr5-13766215-T-TC.
Other names: short protein forms D3324fs.
Identifiers: ClinVar variation 5014719 (VCV005014719.1).

ClinVar aggregate classification (germline): Pathogenic (1 of 4 stars; one submission).

Conditions:
Primary ciliary dyskinesia 3. Identifiers: Orphanet 244, MedGen C1837618, MONDO:0012085, OMIM 608644.

Submission:

Myriad Genetics, Inc.
Classification: Pathogenic for Primary ciliary dyskinesia 3. Last evaluated: 2025-07-14. Review status: criteria provided, single submitter. Criteria: Myriad Autosomal Dominant, Autosomal Recessive and X-Linked Classification Criteria (2023). Collection method: clinical testing. Allele origin: unknown.
Comment: NM_001369.2(DNAH5):c.9970dupG(D3324Gfs*17) is expected to be pathogenic in the context of primary ciliary dyskinesia, DNAH5-related. This variant is predicted to lead to an abnormal or absent protein product due to the creation of a premature termination codon in DNAH5, a gene where loss-of-function variants are known to be pathogenic. Please note: this variant was assessed in the context of healthy population screening.